The following is an entry in ClinVar:

ClinVar aggregate classification (germline): Uncertain significance. Review status: criteria provided, multiple submitters, no conflicts (2 of 4 stars). 2 submissions from 2 submitters: Uncertain significance (2). Last evaluated 2025-03-11.

Conditions:
Hereditary pheochromocytoma and paraganglioma. Also called: Hereditary paragangliomas and pheochromocytomas; Hereditary Paraganglioma-Pheochromocytoma Syndromes; Hereditary pheochromocytoma-paraganglioma. Identifiers: Orphanet 29072, MedGen C4274332, MONDO:0017366.
Hereditary cancer-predisposing syndrome. Also called: Tumor predisposition; Hereditary Cancer Syndrome; Neoplastic Syndromes, Hereditary; Hereditary neoplastic syndrome. Identifiers: Orphanet 140162, MedGen C0027672, MeSH D009386, MONDO:0015356.

Submissions (2):

Ambry Genetics
Classification: Uncertain significance for Hereditary cancer-predisposing syndrome. Last evaluated: 2025-03-11. Review status: criteria provided, single submitter. Criteria: Ambry Variant Classification Scheme 2023. Collection method: clinical testing. Allele origin: germline.
Comment: The p.I85V variant (also known as c.253A>G), located in coding exon 4 of the MAX gene, results from an A to G substitution at nucleotide position 253. The isoleucine at codon 85 is replaced by valine, an amino acid with highly similar properties. This amino acid position is highly conserved in available vertebrate species. In addition, the in silico prediction for this alteration is inconclusive. Based on the available evidence, the clinical significance of this variant remains unclear.

Labcorp Genetics (formerly Invitae), Labcorp
Classification: Uncertain significance for Hereditary pheochromocytoma and paraganglioma. Last evaluated: 2024-08-29. Review status: criteria provided, single submitter. Criteria: Invitae Variant Classification Sherloc (09022015). Collection method: clinical testing. Allele origin: germline.
Comment: This sequence change replaces isoleucine, which is neutral and non-polar, with valine, which is neutral and non-polar, at codon 85 of the MAX protein (p.Ile85Val). This variant is not present in population databases (gnomAD no frequency). This variant has not been reported in the literature in individuals affected with MAX-related conditions. An algorithm developed to predict the effect of missense changes on protein structure and function (PolyPhen-2) suggests that this variant is likely to be tolerated. In summary, the available evidence is currently insufficient to determine the role of this variant in disease. Therefore, it has been classified as a Variant of Uncertain Significance.

NM_002382.5(MAX):c.253A>G (p.Ile85Val)

Gene: MAX (MYC associated transcriptional regulator X; minus strand). Cytogenetic location: 14q23.3.
Variant type: single nucleotide variant.
Coding change: c.253A>G on transcript NM_002382.5 (MANE Select); coding-DNA position 253, A replaced by G.
Protein change: p.Ile85Val; replaces isoleucine 85 with valine.
Molecular consequence: missense variant. On other transcripts: 5 prime UTR variant (6), non-coding transcript variant (7), intron variant (2).
Genome position (GRCh38, 1-based): chr14:65,077,955, T>C on the plus strand (A>G on the coding strand, the complement: MAX is on the minus strand). VCF-style: chr14-65077955-T-C. GRCh37 (hg19) VCF-style: chr14-65544673-T-C.
Other names: c.-22A>G (NM_001320415.2, NM_001407105.1, NM_001407106.1 and 1 more transcripts); c.253A>G, p.Ile85Val (NM_001407094.1, NM_001407096.1, NM_001407097.1 and 3 more transcripts); c.226A>G, p.Ile76Val (NM_001407095.1, NM_001407099.1, NM_001407100.1 and 6 more transcripts); c.145A>G, p.Ile49Val (NM_001407098.1); c.-115A>G (NM_001407111.1, NM_001407112.1); c.144+15753A>G (NM_001271069.2); c.171+15753A>G (NM_197957.4); short protein forms I85V, I49V, I76V.
Identifiers: ClinVar variation 3663877 (VCV003663877.3).